The following is an entry in ClinVar:

ClinVar aggregate classification (germline): Pathogenic. Review status: criteria provided, multiple submitters, no conflicts (2 of 4 stars). 3 submissions from 3 submitters: Pathogenic (3). Last evaluated 2025-05-05.

Conditions:
COL2A1-related disorder. Also called: COL2A1-related condition; COL2A1-related disorders.

Submissions (3):

Labcorp Genetics (formerly Invitae), Labcorp
Classification: Pathogenic. Last evaluated: 2025-05-05. Review status: criteria provided, single submitter. Criteria: Invitae Variant Classification Sherloc (09022015). Collection method: clinical testing. Allele origin: germline.
Comment: This sequence change creates a premature translational stop signal (p.Cys1289Profs*3) in the COL2A1 gene. It is expected to result in an absent or disrupted protein product. Loss-of-function variants in COL2A1 are known to be pathogenic (PMID: 20179744). This variant is not present in population databases (gnomAD no frequency). This premature translational stop signal has been observed in individual(s) with clinical features of Stickler syndrome (PMID: 20179744). ClinVar contains an entry for this variant (Variation ID: 1458145). For these reasons, this variant has been classified as Pathogenic.

GeneDx
Classification: Pathogenic. Last evaluated: 2023-11-22. Review status: criteria provided, single submitter. Criteria: GeneDx Variant Classification Process June 2021. Collection method: clinical testing. Allele origin: germline. Affected: yes.
Comment: Not observed at significant frequency in large population cohorts (gnomAD); Frameshift variant predicted to result in protein truncation or nonsense mediated decay in a gene for which loss of function is a known mechanism of disease; This variant is associated with the following publications: (PMID: 20179744)

PreventionGenetics, part of Exact Sciences
Classification: Pathogenic for COL2A1-related condition. Last evaluated: 2022-09-08. Review status: criteria provided, single submitter. Criteria: ACMG Guidelines, 2015. Collection method: clinical testing. Allele origin: germline.
Comment: The COL2A1 c.3864_3865delCT variant is predicted to result in a frameshift and premature protein termination (p.Cys1289Profs*3). This variant was reported in an individual with Stickler syndrome (Hoornaert et al 2010. PubMed ID: 20179744). This variant has not been reported in a large population database, indicating this variant is rare. Frameshift variants in COL2A1 are expected to be pathogenic. This variant is interpreted as pathogenic.

Literature cited by the submitters: PubMed 20179744 (cited by Labcorp Genetics (formerly Invitae), Labcorp).

NM_001844.5(COL2A1):c.3864_3865del (p.Cys1289fs)

Gene: COL2A1 (collagen type II alpha 1 chain; minus strand). Cytogenetic location: 12q13.11.
Variant type: Microsatellite.
Coding change: c.3864_3865del on transcript NM_001844.5 (MANE Select); coding-DNA positions 3864 to 3865, 2 bases deleted (CT; older notation c.3864_3865delCT).
Protein change: p.Cys1289fs; shifts the reading frame from cysteine 1289.
Molecular consequence: frameshift variant.
Genome position (GRCh38, 1-based): chr12:47,975,338-47,975,339, AG deleted on the plus strand (CT on the coding strand, the reverse complement: COL2A1 is on the minus strand); deleting any 2 consecutive bases within chr12:47,975,338-47,975,341 gives the same sequence; the c. name uses the placement nearest the transcript's 3' end. VCF-style (leftmost placement, unchanged base first): chr12-47975337-CAG-C. GRCh37 (hg19) VCF-style: chr12-48369120-CAG-C.
Other names: c.3657_3658del, p.Cys1220fs (NM_033150.3); c.3864_3865delCT (NM_001844.4); c.3864_3865del (NM_001844.4); short protein forms C1220fs, C1289fs.
Identifiers: ClinVar variation 1458145 (VCV001458145.9), dbSNP rs2136510866, ClinGen allele CA2497028963.
Genomic context (GRCh38, chr12:47,975,337, plus strand): 5'-CCTGCTTCCCGGGGCAGGGGATCCTGTTCTCCAAGCTTACCACTCTTCCACTCAGGGTGG[CAG>C]AGTTTCAGGTCTCTGCAGGTGCGAGCAGGGTTCTTGCGGGAGCCCTCGGGGCTGCGGATG-3'